The following is an entry in ClinVar:

NM_000049.4(ASPA):c.80G>T (p.Gly27Val)

Genes: ASPA (aspartoacylase; plus strand), SPATA22 (spermatogenesis associated 22; minus strand). Cytogenetic location: 17p13.2.
Variant type: single nucleotide variant.
Coding change: c.80G>T on transcript NM_000049.4 (MANE Select); coding-DNA position 80, G replaced by T.
Protein change: p.Gly27Val; replaces glycine 27 with valine.
Molecular consequence: missense variant. On other transcripts: intron variant (2).
Genome position (GRCh38, 1-based): chr17:3,476,239, G>T. VCF-style: chr17-3476239-G-T. GRCh37 (hg19) VCF-style: chr17-3379533-G-T.
Other names: c.80G>T, p.Gly27Val (NM_001128085.1); c.-73-6841C>A (NM_001321336.2, NM_001321337.2); short protein forms G27V.
Identifiers: ClinVar variation 1762000 (VCV001762000.2), dbSNP rs1457802163, ClinGen allele CA397681169.

ClinVar aggregate classification (germline): Likely pathogenic (1 of 4 stars; one submission).

Conditions:
Inborn genetic diseases. Identifiers: MedGen C0950123, MeSH D030342.

Allele frequency attached by ClinVar (database versions not stated): gnomAD exomes below 0.00001; TOPMed 0.00001.
gnomAD v4.1: 2 of 1,614,172 alleles (0.00012%); highest among the groups gnomAD compares: African/African-American, 0.0027%; no homozygotes.

Submission:

Ambry Genetics
Classification: Likely pathogenic for Inborn genetic diseases. Last evaluated: 2017-04-13. Review status: criteria provided, single submitter. Criteria: Ambry Variant Classification Scheme 2023. Collection method: clinical testing. Allele origin: germline.
Comment: The p.G27V variant (also known as c.80G>T), located in coding exon 1 of the ASPA gene, results from a G to T substitution at nucleotide position 80. The glycine at codon 27 is replaced by valine, an amino acid with dissimilar properties. Based on internal structural assessment, this alteration results in structural destabilization of the enzyme near the catalytic site (Le Coq J et al. Biochemistry, 2008 Mar;47:3484-92). This variant was not reported in the ExAC database, with coverage at this position. This amino acid position is highly conserved in available vertebrate species. In addition, this alteration is predicted to be deleterious by in silico analysis. Based on the majority of available evidence to date, this variant is likely to be pathogenic.

Literature cited by the submitters: PubMed 18293939.